The following is an entry in ClinVar:

ClinVar aggregate classification (germline): Uncertain significance. Review status: criteria provided, multiple submitters, no conflicts (2 of 4 stars). 2 submissions from 2 submitters: Uncertain significance (2). Last evaluated 2026-02-11.

Conditions:
Lynch syndrome 5 (LYNCH5). Also called: Colorectal cancer, hereditary nonpolyposis, type 5; Hereditary non-polyposis colorectal cancer, type 5. Identifiers: Orphanet 144, MedGen C1833477, MONDO:0013710, OMIM 614350. Disease mechanism: loss of function.
Hereditary nonpolyposis colorectal neoplasms. Identifiers: MedGen C0009405, MeSH D003123.

Submissions (2):

St. Jude Molecular Pathology, St. Jude Children's Research Hospital
Classification: Uncertain significance for Lynch syndrome 5. Last evaluated: 2026-02-11. Review status: criteria provided, single submitter. Criteria: St. Jude Assertion Criteria 2020. Collection method: clinical testing. Allele origin: germline.
Comment: The MSH6 c.775G>A p.(Gly259Ser) missense change is absent in gnomAD v2.1.1. In silico tools predict a benign effect of this variant on protein function, but to our knowledge this prediction has not been confirmed by functional studies. To our knowledge, this variant has not been reported in individuals with Lynch syndrome or constitutional mismatch repair deficiency. In summary, the evidence currently available is insufficient to determine the clinical significance of this variant. It has therefore been classified as of uncertain significance.

Labcorp Genetics (formerly Invitae), Labcorp
Classification: Uncertain significance for Hereditary nonpolyposis colorectal neoplasms. Last evaluated: 2024-06-02. Review status: criteria provided, single submitter. Criteria: Invitae Variant Classification Sherloc (09022015). Collection method: clinical testing. Allele origin: germline.
Comment: This sequence change replaces glycine, which is neutral and non-polar, with serine, which is neutral and polar, at codon 259 of the MSH6 protein (p.Gly259Ser). This variant is not present in population databases (gnomAD no frequency). This variant has not been reported in the literature in individuals affected with MSH6-related conditions. Advanced modeling of protein sequence and biophysical properties (such as structural, functional, and spatial information, amino acid conservation, physicochemical variation, residue mobility, and thermodynamic stability) performed at Invitae indicates that this missense variant is not expected to disrupt MSH6 protein function with a negative predictive value of 95%. In summary, the available evidence is currently insufficient to determine the role of this variant in disease. Therefore, it has been classified as a Variant of Uncertain Significance.

NM_000179.3(MSH6):c.775G>A (p.Gly259Ser)

Gene: MSH6 (mutS homolog 6; plus strand). Cytogenetic location: 2p16.3.
Variant type: single nucleotide variant.
Coding change: c.775G>A on transcript NM_000179.3 (MANE Select); coding-DNA position 775, G replaced by A.
Protein change: p.Gly259Ser; replaces glycine 259 with serine.
Molecular consequence: missense variant. On other transcripts: non-coding transcript variant (4), intron variant (1), 5 prime UTR variant (9).
Genome position (GRCh38, 1-based): chr2:47,798,758, G>A. VCF-style: chr2-47798758-G-A. GRCh37 (hg19) VCF-style: chr2-48025897-G-A.
Other names: c.628-1908G>A (NM_001407362.1); c.781G>A, p.Gly261Ser (NM_001406813.1); c.-132G>A (NM_001406814.1, NM_001406815.1, NM_001406816.1 and 6 more transcripts); c.775G>A, p.Gly259Ser (NM_001406817.1, NM_001406803.1, NM_001406808.1 and 4 more transcripts); c.478G>A, p.Gly160Ser (NM_001406818.1, NM_001406819.1, NM_001406820.1 and 10 more transcripts); c.607G>A, p.Gly203Ser (NM_001406826.1); c.871G>A, p.Gly291Ser (NM_001406802.1, NM_001406795.1); c.697G>A, p.Gly233Ser (NM_001406804.1); and 2 more; short protein forms G261S, G233S, G259S, G203S, G84S, G129S, G160S, G291S.
Identifiers: ClinVar variation 3633915 (VCV003633915.3).